The following is an entry in ClinVar:

ClinVar aggregate classification (germline): Uncertain significance. Review status: criteria provided, multiple submitters, no conflicts (2 of 4 stars). 6 submissions from 6 submitters: Uncertain significance (6). Last evaluated 2025-07-30.

Conditions:
Hereditary cancer-predisposing syndrome. Also called: Hereditary neoplastic syndrome; Tumor predisposition; Neoplastic Syndromes, Hereditary; Hereditary Cancer Syndrome. Identifiers: Orphanet 140162, MedGen C0027672, MeSH D009386, MONDO:0015356.
Breast-ovarian cancer, familial, susceptibility to, 4. Identifiers: Orphanet 145, MedGen C3280345, MONDO:0013669, OMIM 614291.

gnomAD v4.1: 9 of 1,611,016 alleles (0.00056%); highest among the groups gnomAD compares: Non-Finnish European, 0.00076%; no homozygotes.

Submissions (6):

Labcorp Genetics (formerly Invitae), Labcorp
Classification: Uncertain significance for Breast-ovarian cancer, familial, susceptibility to, 4. Last evaluated: 2025-07-30. Review status: criteria provided, single submitter. Criteria: Invitae Variant Classification Sherloc (09022015). Collection method: clinical testing. Allele origin: germline.
Comment: This sequence change replaces arginine, which is basic and polar, with glycine, which is neutral and non-polar, at codon 239 of the RAD51D protein (p.Arg239Gly). This variant is present in population databases (no rsID available, gnomAD 0.002%). This variant has not been reported in the literature in individuals affected with RAD51D-related conditions. ClinVar contains an entry for this variant (Variation ID: 472620). Invitae Evidence Modeling of protein sequence and biophysical properties (such as structural, functional, and spatial information, amino acid conservation, physicochemical variation, residue mobility, and thermodynamic stability) indicates that this missense variant is not expected to disrupt RAD51D protein function with a negative predictive value of 80%. In summary, the available evidence is currently insufficient to determine the role of this variant in disease. Therefore, it has been classified as a Variant of Uncertain Significance.

Ambry Genetics
Classification: Uncertain significance for Hereditary cancer-predisposing syndrome. Last evaluated: 2025-02-04. Review status: criteria provided, single submitter. Criteria: Ambry Variant Classification Scheme 2023. Collection method: clinical testing. Allele origin: germline.
Comment: The p.R239G variant (also known as c.715C>G), located in coding exon 8 of the RAD51D gene, results from a C to G substitution at nucleotide position 715. The arginine at codon 239 is replaced by glycine, an amino acid with dissimilar properties. This amino acid position is well conserved in available vertebrate species. In addition, the in silico prediction for this alteration is inconclusive. Based on the available evidence, the clinical significance of this variant remains unclear.

CeGaT Center for Human Genetics Tuebingen
Classification: Uncertain significance. Last evaluated: 2025-02-01. Review status: criteria provided, single submitter. Criteria: CeGaT Center For Human Genetics Tuebingen Variant Classification Criteria Version 2. Collection method: clinical testing. Allele origin: germline. Affected: yes. Observed: 1 variant allele.
Comment: RAD51D: PM2, BP1, BP4

Baylor Genetics
Classification: Uncertain significance for Breast-ovarian cancer, familial, susceptibility to, 4. Last evaluated: 2023-10-03. Review status: criteria provided, single submitter. Criteria: ACMG Guidelines, 2015. Collection method: clinical testing. Allele origin: unknown.

MGZ Medical Genetics Center
Classification: Uncertain significance for Breast-ovarian cancer, familial, susceptibility to, 4. Last evaluated: 2022-05-13. Review status: criteria provided, single submitter. Criteria: ACMG Guidelines, 2015. Collection method: clinical testing. Allele origin: germline. Affected: yes. Observed: 2 variant alleles.
Comment: ACMG criteria applied: PM2_SUP, BP4

Color Diagnostics, LLC DBA Color Health
Classification: Uncertain significance for Hereditary cancer-predisposing syndrome. Last evaluated: 2022-03-21. Review status: criteria provided, single submitter. Criteria: ACMG Guidelines, 2015. Collection method: clinical testing. Allele origin: germline.
Comment: This missense variant replaces arginine with glycine at codon 239 of the RAD51D protein. Computational prediction suggests that this variant may not impact protein structure and function (internally defined REVEL score threshold <= 0.5, PMID: 27666373). To our knowledge, functional studies have not been reported for this variant. This variant has not been reported in individuals affected with hereditary cancer in the literature. This variant has been identified in 2/245232 chromosomes in the general population by the Genome Aggregation Database (gnomAD). The available evidence is insufficient to determine the role of this variant in disease conclusively. Therefore, this variant is classified as a Variant of Uncertain Significance.

NM_002878.4(RAD51D):c.715C>G (p.Arg239Gly)

Genes: RAD51D (RAD51 paralog D; minus strand), RAD51L3-RFFL (RAD51L3-RFFL readthrough; minus strand). Cytogenetic location: 17q12.
Variant type: single nucleotide variant.
Coding change: c.715C>G on transcript NM_002878.4 (MANE Select); coding-DNA position 715, C replaced by G.
Protein change: p.Arg239Gly; replaces arginine 239 with glycine.
Molecular consequence: missense variant. On other transcripts: non-coding transcript variant (3).
Genome position (GRCh38, 1-based): chr17:35,103,277, G>C on the plus strand (C>G on the coding strand, the complement: RAD51D is on the minus strand). VCF-style: chr17-35103277-G-C. GRCh37 (hg19) VCF-style: chr17-33430296-G-C.
Other names: c.775C>G, p.Arg259Gly (NM_001142571.2); c.379C>G, p.Arg127Gly (NM_133629.3); short protein forms R239G, R259G, R127G.
Identifiers: ClinVar variation 472620 (VCV000472620.32), dbSNP rs770250516, ClinGen allele CA399087545.
Genomic context (GRCh38, chr17:35,103,277, plus strand): 5'-TAGAAATCAAGTTCATTGGCCAAGCCTGCTTCCTCACCACCACTGCCATGCCAAGGTCCC[G>C]GGCCAGGGTCTTCAGCTCTCGGGCCAGCTGCATCATCAAGGCCAAGCCTGCAGGAGGAGG-3'
Protein context (NP_002869.3, residues 229-249): QLARELKTLA[Arg239Gly]DLGMAVVVTN